The following is an entry in ClinVar:

NM_002769.5(PRSS1):c.443C>A (p.Ala148Glu)

Genes: PRSS1 (serine protease 1; plus strand), TRB (T cell receptor beta locus; plus strand). Cytogenetic location: 7q34.
Variant type: single nucleotide variant.
Coding change: c.443C>A on transcript NM_002769.5 (MANE Select); coding-DNA position 443, C replaced by A.
Protein change: p.Ala148Glu; replaces alanine 148 with glutamic acid.
Molecular consequence: missense variant. On other transcripts: non-coding transcript variant (5).
Genome position (GRCh38, 1-based): chr7:142,752,016, C>A. VCF-style: chr7-142752016-C-A. GRCh37 (hg19) VCF-style: chr7-142459867-C-A.
Other names: short protein forms A148E.
Identifiers: ClinVar variation 1740610 (VCV001740610.3), dbSNP rs762545562, ClinGen allele CA369609233.

ClinVar aggregate classification (germline): Uncertain significance (1 of 4 stars; one submission).

Conditions:
Hereditary pancreatitis (PCTT). Also called: Hereditary chronic pancreatitis; PRSS1-Related Hereditary Pancreatitis. Identifiers: Orphanet 676, MedGen C0238339, MONDO:0008185, OMIM 167800.

gnomAD v4.1: 1 of 1,559,294 alleles (0.000064%); highest among the groups gnomAD compares: East Asian, 0.0023%; no homozygotes.

Submission:

Ambry Genetics
Classification: Uncertain significance for Hereditary pancreatitis. Last evaluated: 2025-11-16. Review status: criteria provided, single submitter. Criteria: Ambry Variant Classification Scheme 2023. Collection method: clinical testing. Allele origin: germline.
Comment: The p.A148E variant (also known as c.443C>A), located in coding exon 3 of the PRSS1 gene, results from a C to A substitution at nucleotide position 443. The alanine at codon 148 is replaced by glutamic acid, an amino acid with dissimilar properties. This amino acid position is conserved. In addition, this alteration is predicted to be tolerated by in silico analysis. Since supporting evidence is limited at this time, the clinical significance of this alteration remains unclear.